The following is an entry in ClinVar:

ClinVar aggregate classification (germline): Conflicting classifications of pathogenicity. Review status: criteria provided, conflicting classifications (1 of 4 stars). 5 submissions from 5 submitters: Uncertain significance (2); Likely benign (2). 1 of the submissions does not count toward it. Last evaluated 2025-07-16.

Conditions:
Hereditary breast ovarian cancer syndrome. Also called: Hereditary breast and ovarian cancer syndrome; Hereditary breast and ovarian cancer; Hereditary breast and ovarian cancer syndrome (HBOC); Breast and ovarian cancer; Hereditary breast and/or ovarian cancer syndrome; BRCA1- and BRCA2-Associated Hereditary Breast and Ovarian Cancer. Identifiers: Orphanet 145, MedGen C0677776, MeSH D061325, MONDO:0003582. Disease mechanism: loss of function.
Hereditary cancer-predisposing syndrome. Also called: Neoplastic Syndromes, Hereditary; Tumor predisposition; Hereditary neoplastic syndrome; Hereditary Cancer Syndrome. Identifiers: Orphanet 140162, MedGen C0027672, MeSH D009386, MONDO:0015356.
Breast-ovarian cancer, familial, susceptibility to, 2 (BROVCA2). Also called: BRCA2 Hereditary Breast and Ovarian Cancer. Identifiers: Orphanet 145, MedGen C2675520, MONDO:0012933, OMIM 612555. Disease mechanism: loss of function.

Allele frequency attached by ClinVar (database versions not stated): gnomAD exomes below 0.00001.
gnomAD v4.1: 1 of 1,613,928 alleles (0.000062%); highest among the groups gnomAD compares: Non-Finnish European, 0.000085%; no homozygotes.

Submissions (5):

Quest Diagnostics Nichols Institute San Juan Capistrano
Classification: Uncertain significance. Last evaluated: 2025-07-16. Review status: criteria provided, single submitter. Criteria: Quest Diagnostics criteria. Collection method: clinical testing. Allele origin: unknown.
Comment: The BRCA2 c.6767G>A (p.Cys2256Tyr) variant has been reported to be located in a region of the BRCA2 gene that is tolerant to missense sequence changes (PMID: 31911673 (2020)). To the best of our knowledge, this variant has not been reported in individuals with BRCA2-related conditions. Assessment of experimental analysis yielded inconclusive results regarding the impact of this variant on protein function (PMID: 33691754 (2021)). It has not been reported in large, multi-ethnic general populations (Genome Aggregation Database). Analysis of this variant using bioinformatics tools for the prediction of the effect of amino acid changes on protein structure and function yielded predictions that this variant is benign. Based on the available information, we are unable to determine the clinical significance of this variant.

Labcorp Genetics (formerly Invitae), Labcorp
Classification: Likely benign for Hereditary breast ovarian cancer syndrome. Last evaluated: 2024-05-06. Review status: criteria provided, single submitter. Criteria: Invitae Variant Classification Sherloc (09022015). Collection method: clinical testing. Allele origin: germline.

Ambry Genetics
Classification: Uncertain significance for Hereditary cancer-predisposing syndrome. Last evaluated: 2023-07-26. Review status: criteria provided, single submitter. Criteria: Ambry Variant Classification Scheme 2023. Collection method: clinical testing. Allele origin: germline.
Comment: The p.C2256Y variant (also known as c.6767G>A), located in coding exon 10 of the BRCA2 gene, results from a G to A substitution at nucleotide position 6767. The cysteine at codon 2256 is replaced by tyrosine, an amino acid with highly dissimilar properties. This amino acid position is not well conserved in available vertebrate species. In addition, this alteration is predicted to be tolerated by in silico analysis. Since supporting evidence is limited at this time, the clinical significance of this alteration remains unclear.

University of Washington Department of Laboratory Medicine, University of Washington
Classification: Likely benign for Hereditary cancer-predisposing syndrome. Last evaluated: 2023-03-23. Review status: criteria provided, single submitter. Criteria: Dines et al. (Genet Med. 2020). Collection method: curation. Allele origin: germline.
Comment: Missense variant in a coldspot region where missense variants are very unlikely to be pathogenic (PMID:31911673).

BRCA2 exon 11 coldspot. Reclassification based on statistical prior probability.

Breast Cancer Information Core (BIC) (BRCA2)
Classification: Uncertain significance for Breast-ovarian cancer, familial 2. Last evaluated: 1997-11-13. Review status: no assertion criteria provided. Collection method: clinical testing. Allele origin: germline. Affected: yes. Observed: 1 variant allele. Not counted in ClinVar's aggregate classification.

Literature cited by the submitters: PubMed 33691754 (cited by Quest Diagnostics Nichols Institute San Juan Capistrano); PubMed 31911673 (cited by Quest Diagnostics Nichols Institute San Juan Capistrano).

NM_000059.4(BRCA2):c.6767G>A (p.Cys2256Tyr)

Gene: BRCA2 (BRCA2 DNA repair associated; plus strand). Cytogenetic location: 13q13.1.
Variant type: single nucleotide variant.
Coding change: c.6767G>A on transcript NM_000059.4 (MANE Select); coding-DNA position 6767, G replaced by A.
Protein change: p.Cys2256Tyr; replaces cysteine 2256 with tyrosine.
Molecular consequence: missense variant.
Genome position (GRCh38, 1-based): chr13:32,341,122, G>A. VCF-style: chr13-32341122-G-A. GRCh37 (hg19) VCF-style: chr13-32915259-G-A.
Other names: short protein forms C2256Y.
Identifiers: ClinVar variation 52179 (VCV000052179.15), dbSNP rs80358900, ClinGen allele CA024391.
Genomic context (GRCh38, chr13:32,341,122, plus strand): 5'-AAGATGATGAACTGACAGATTCTAAACTGCCAAGTCATGCCACACATTCTCTTTTTACAT[G>A]TCCCGAAAATGAGGAAATGGTTTTGTCAAATTCAAGAATTGGAAAAAGAAGAGGAGAGCC-3'
Protein context (NP_000050.3, residues 2246-2266): PSHATHSLFT[Cys2256Tyr]PENEEMVLSN